The following is an entry in ClinVar:

ClinVar aggregate classification (germline): Benign. Review status: criteria provided, multiple submitters, no conflicts (2 of 4 stars). 2 submissions from 2 submitters: Benign (2). Last evaluated 2018-06-14.

Allele frequency attached by ClinVar (database versions not stated): 1000 Genomes Project 0.24940; 1000 Genomes Project 30x 0.25453; gnomAD exomes 0.27289 and 0.31144; TOPMed 0.27540; gnomAD 0.27955 and 0.28001; ESP Exome Variant Server 0.29741; ExAC 0.30738.
gnomAD v4.1: 487,066 of 1,579,548 alleles (31%); highest among the groups gnomAD compares: Non-Finnish European, 33%; 76,876 homozygotes.

Submissions (2):

GeneDx
Classification: Benign. Last evaluated: 2018-06-14. Review status: criteria provided, single submitter. Criteria: GeneDx Variant Classification (06012015). Collection method: clinical testing. Allele origin: germline. Affected: yes.
Comment: This variant is considered likely benign or benign based on one or more of the following criteria: it is a conservative change, it occurs at a poorly conserved position in the protein, it is predicted to be benign by multiple in silico algorithms, and/or has population frequency not consistent with disease.

Breakthrough Genomics
Classification: Benign. Review status: criteria provided, single submitter. Criteria: ACMG Guidelines, 2015. Collection method: not provided. Allele origin: germline. Inheritance: Autosomal dominant inheritance. Affected: yes.

NM_144599.5(NIPA1):c.479-29C>T

Gene: NIPA1 (NIPA magnesium transporter 1; plus strand). Cytogenetic location: 15q11.2.
Variant type: single nucleotide variant.
Coding change: c.479-29C>T on transcript NM_144599.5 (MANE Select); 29 bases into the intron before coding-DNA position 479, C replaced by T.
Molecular consequence: intron variant.
Genome position (GRCh38, 1-based): chr15:22,823,699, C>T. VCF-style: chr15-22823699-C-T. GRCh37 (hg19) VCF-style: chr15-23049369-G-A.
Other names: c.254-29C>T (NM_001142275.1).
Identifiers: ClinVar variation 667675 (VCV000667675.2), dbSNP rs12592629, ClinGen allele CA7426069.